The following is an entry in ClinVar:

NM_000038.6(APC):c.7092G>A (p.Met2364Ile)

Gene: APC (APC regulator of Wnt signaling pathway; plus strand). Cytogenetic location: 5q22.2.
Variant type: single nucleotide variant.
Coding change: c.7092G>A on transcript NM_000038.6 (MANE Select); coding-DNA position 7092, G replaced by A.
Protein change: p.Met2364Ile; replaces methionine 2364 with isoleucine.
Molecular consequence: missense variant.
Genome position (GRCh38, 1-based): chr5:112,842,686, G>A. VCF-style: chr5-112842686-G-A. GRCh37 (hg19) VCF-style: chr5-112178383-G-A.
Other names: c.7092G>A, p.Met2364Ile (NM_001127510.3, NM_001354895.2); c.7038G>A, p.Met2346Ile (NM_001127511.3); c.7146G>A, p.Met2382Ile (NM_001354896.2); c.7122G>A, p.Met2374Ile (NM_001354897.2); c.7017G>A, p.Met2339Ile (NM_001354898.2); c.7008G>A, p.Met2336Ile (NM_001354899.2); c.6969G>A, p.Met2323Ile (NM_001354900.2); c.6915G>A, p.Met2305Ile (NM_001354901.2); and 5 more; short protein forms M2305I, M2336I, M2346I, M2382I, M2081I, M2204I, M2273I, M2364I.
Identifiers: ClinVar variation 854549 (VCV000854549.13), dbSNP rs1341297319, ClinGen allele CA16036777.

ClinVar aggregate classification (germline): Uncertain significance. Review status: criteria provided, multiple submitters, no conflicts (2 of 4 stars). 3 submissions from 3 submitters: Uncertain significance (3). Last evaluated 2023-11-13.

Conditions:
Hereditary cancer-predisposing syndrome. Also called: Neoplastic Syndromes, Hereditary; Hereditary Cancer Syndrome; Tumor predisposition; Hereditary neoplastic syndrome. Identifiers: Orphanet 140162, MedGen C0027672, MeSH D009386, MONDO:0015356.
Familial adenomatous polyposis 1 (FAP1). Also called: POLYPOSIS, ADENOMATOUS INTESTINAL; FAMILIAL ADENOMATOUS POLYPOSIS 1, ATTENUATED. Identifiers: MedGen C2713442, MONDO:0021056, OMIM 175100. Disease mechanism: loss of function.

Allele frequency attached by ClinVar (database versions not stated): gnomAD exomes below 0.00001; TOPMed below 0.00001; gnomAD 0.00001.
gnomAD v4.1: 4 of 1,613,270 alleles (0.00025%); highest among the groups gnomAD compares: Non-Finnish European, 0.00034%; no homozygotes.

Submissions (3):

Labcorp Genetics (formerly Invitae), Labcorp
Classification: Uncertain significance for Familial adenomatous polyposis 1. Last evaluated: 2023-11-13. Review status: criteria provided, single submitter. Criteria: Invitae Variant Classification Sherloc (09022015). Collection method: clinical testing. Allele origin: germline.
Comment: This sequence change replaces methionine, which is neutral and non-polar, with isoleucine, which is neutral and non-polar, at codon 2364 of the APC protein (p.Met2364Ile). This variant is not present in population databases (gnomAD no frequency). This variant has not been reported in the literature in individuals affected with APC-related conditions. ClinVar contains an entry for this variant (Variation ID: 854549). Advanced modeling of protein sequence and biophysical properties (such as structural, functional, and spatial information, amino acid conservation, physicochemical variation, residue mobility, and thermodynamic stability) performed at Invitae indicates that this missense variant is not expected to disrupt APC protein function with a negative predictive value of 95%. In summary, the available evidence is currently insufficient to determine the role of this variant in disease. Therefore, it has been classified as a Variant of Uncertain Significance.

Baylor Genetics
Classification: Uncertain significance for Familial adenomatous polyposis 1. Last evaluated: 2023-11-10. Review status: criteria provided, single submitter. Criteria: ACMG Guidelines, 2015. Collection method: clinical testing. Allele origin: unknown.

Ambry Genetics
Classification: Uncertain significance for Hereditary cancer-predisposing syndrome. Last evaluated: 2022-10-03. Review status: criteria provided, single submitter. Criteria: Ambry Variant Classification Scheme 2023. Collection method: clinical testing. Allele origin: germline.